The following is an entry in ClinVar:

NM_001128227.3(GNE):c.51+34T>C

Gene: GNE (glucosamine (UDP-N-acetyl)-2-epimerase/N-acetylmannosamine kinase; minus strand). Cytogenetic location: 9p13.3.
Variant type: single nucleotide variant.
Coding change: c.51+34T>C on transcript NM_001128227.3 (MANE Plus Clinical); 34 bases into the intron after coding-DNA position 51, T replaced by C.
Molecular consequence: intron variant.
Genome position (GRCh38, 1-based): chr9:36,276,860, A>G on the plus strand (T>C on the coding strand, the complement: GNE is on the minus strand). VCF-style: chr9-36276860-A-G. GRCh37 (hg19) VCF-style: chr9-36276857-A-G.
Other names: c.-14+34T>C (NM_001190388.2).
Identifiers: ClinVar variation 257526 (VCV000257526.10), dbSNP rs7875447, ClinGen allele CA5056818.

ClinVar aggregate classification (germline): Benign. Review status: criteria provided, multiple submitters, no conflicts (2 of 4 stars). 7 submissions from 6 submitters: Benign (6). 1 of the submissions does not count toward it. Last evaluated 2021-07-10.

Conditions:
Sialuria. Also called: SIALURIA, FRENCH TYPE; Sialic Acid Storage Disease. Identifiers: Orphanet 3166, MedGen C0342853, MONDO:0010028, OMIM 269921.
GNE myopathy (NM). Also called: MYOPATHY, DISTAL, WITH OR WITHOUT RIMMED VACUOLES; NONAKA DISTAL MYOPATHY; IBM 2; Inclusion body myopathy autosomal recessive; Inclusion body myopathy quadriceps sparing; INCLUSION BODY MYOPATHY, HEREDITARY, AUTOSOMAL RECESSIVE. Identifiers: Orphanet 602, MedGen C1853926, MONDO:0011603, OMIM 605820.

Allele frequency attached by ClinVar (database versions not stated): 1000 Genomes Project 0.65176; 1000 Genomes Project 30x 0.65771; ExAC 0.72753; gnomAD 0.75717 and 0.74966; gnomAD exomes 0.72707 and 0.77520; ESP Exome Variant Server 0.78612; TOPMed 0.74502.
gnomAD v4.1: 1,171,304 of 1,517,118 alleles (77%); highest among the groups gnomAD compares: Non-Finnish European, 80%; 456,607 homozygotes.

Submissions (7):

Genome-Nilou Lab
Classification: Benign for Sialuria. Last evaluated: 2021-07-10. Review status: criteria provided, single submitter. Criteria: ACMG Guidelines, 2015. Collection method: clinical testing. Allele origin: germline. Affected: no.

Genome-Nilou Lab
Classification: Benign for GNE myopathy. Last evaluated: 2021-07-10. Review status: criteria provided, single submitter. Criteria: ACMG Guidelines, 2015. Collection method: clinical testing. Allele origin: germline. Affected: no.

Women's Health and Genetics/Laboratory Corporation of America, LabCorp
Classification: Benign. Last evaluated: 2021-04-30. Review status: criteria provided, single submitter. Criteria: LabCorp Variant Classification Summary - May 2015. Collection method: clinical testing. Allele origin: germline.

GeneDx
Classification: Benign. Last evaluated: 2018-06-14. Review status: criteria provided, single submitter. Criteria: GeneDx Variant Classification (06012015). Collection method: clinical testing. Allele origin: germline. Affected: yes.
Comment: This variant is considered likely benign or benign based on one or more of the following criteria: it is a conservative change, it occurs at a poorly conserved position in the protein, it is predicted to be benign by multiple in silico algorithms, and/or has population frequency not consistent with disease.

Breakthrough Genomics
Classification: Benign. Review status: criteria provided, single submitter. Criteria: ACMG Guidelines, 2015. Collection method: not provided. Allele origin: germline. Inheritance: Autosomal recessive inheritance. Affected: yes.

PreventionGenetics, part of Exact Sciences
Classification: Benign. Review status: criteria provided, single submitter. Criteria: ACMG Guidelines, 2015. Collection method: clinical testing. Allele origin: germline.

Natera, Inc.
Classification: Benign for Nonaka myopathy. Last evaluated: 2020-01-03. Review status: no assertion criteria provided. Collection method: clinical testing. Allele origin: germline. Not counted in ClinVar's aggregate classification.